The following is an entry in ClinVar:

ClinVar aggregate classification (germline): Conflicting classifications of pathogenicity. Review status: criteria provided, conflicting classifications (1 of 4 stars). 7 submissions from 7 submitters: Uncertain significance (1); Likely benign (4). 2 of the submissions do not count toward it. Last evaluated 2026-02-02.

Conditions:
Deficiency of alpha-mannosidase (MANSA). Also called: Mannosidosis, alpha-, types I and II; LYSOSOMAL ALPHA-D-MANNOSIDASE DEFICIENCY; Alpha-Mannosidosis. Identifiers: Orphanet 61, MedGen C0024748, MONDO:0009561, OMIM 248500.
MAN2B1-related disorder. Also called: MAN2B1-related condition.
Intellectual disability. Also called: Intellectual developmental disorder; Intellectual functioning disability; intellectual disabilities. Identifiers: MedGen C3714756, MeSH D008607, MONDO:0001071, HP:0001249.

Allele frequency attached by ClinVar (database versions not stated): 1000 Genomes Project 30x 0.00031; 1000 Genomes Project 0.00040; gnomAD 0.00107 and 0.00109; gnomAD exomes 0.00109; TOPMed 0.00113; ExAC 0.00116; ESP Exome Variant Server 0.00208.
gnomAD v4.1: 2,580 of 1,614,206 alleles (0.16%); highest among the groups gnomAD compares: Non-Finnish European, 0.19%; 2 homozygotes.

Submissions (7):

Labcorp Genetics (formerly Invitae), Labcorp
Classification: Likely benign for Deficiency of alpha-mannosidase. Last evaluated: 2026-02-02. Review status: criteria provided, single submitter. Criteria: Invitae Variant Classification Sherloc (09022015). Collection method: clinical testing. Allele origin: germline.

Mayo Clinic Laboratories, Mayo Clinic
Classification: Likely benign. Last evaluated: 2025-11-27. Review status: criteria provided, single submitter. Criteria: ACMG Guidelines, 2015. Collection method: clinical testing. Allele origin: germline. Observed: 3 variant alleles.
Comment: BS1, BP4, BP7

Blueprint Genetics
Classification: Likely benign. Last evaluated: 2024-11-24. Review status: criteria provided, single submitter. Criteria: ACMG Guidelines, 2015. Collection method: clinical testing. Allele origin: germline.

CeGaT Center for Human Genetics Tuebingen
Classification: Likely benign. Last evaluated: 2023-09-01. Review status: criteria provided, single submitter. Criteria: CeGaT Center For Human Genetics Tuebingen Variant Classification Criteria Version 2. Collection method: clinical testing. Allele origin: germline. Affected: yes. Observed: 2 variant alleles.
Comment: MAN2B1: BP4

Illumina Laboratory Services, Illumina
Classification: Uncertain significance for Deficiency of alpha-mannosidase. Last evaluated: 2018-01-12. Review status: criteria provided, single submitter. Criteria: ICSL Variant Classification Criteria 13 December 2019. Collection method: clinical testing. Allele origin: germline.

PreventionGenetics, part of Exact Sciences
Classification: Likely benign for MAN2B1-related condition. Last evaluated: 2023-12-21. Review status: no assertion criteria provided. Collection method: clinical testing. Allele origin: germline. Not counted in ClinVar's aggregate classification.
Comment: This variant is classified as likely benign based on ACMG/AMP sequence variant interpretation guidelines (Richards et al. 2015 PMID: 25741868, with internal and published modifications).

Centre de Biologie Pathologie Génétique, Centre Hospitalier Universitaire de Lille
Classification: Likely benign for Intellectual disability. Last evaluated: 2019-01-01. Review status: no assertion criteria provided. Collection method: clinical testing. Allele origin: inherited. Affected: yes. Not counted in ClinVar's aggregate classification.

NM_000528.4(MAN2B1):c.1110-8C>T

Gene: MAN2B1 (mannosidase alpha class 2B member 1; minus strand). Cytogenetic location: 19p13.13.
Variant type: single nucleotide variant.
Coding change: c.1110-8C>T on transcript NM_000528.4 (MANE Select); 8 bases into the intron before coding-DNA position 1110, C replaced by T.
Molecular consequence: intron variant.
Genome position (GRCh38, 1-based): chr19:12,658,352, G>A on the plus strand (C>T on the coding strand, the complement: MAN2B1 is on the minus strand). VCF-style: chr19-12658352-G-A. GRCh37 (hg19) VCF-style: chr19-12769166-G-A.
Other names: p.?; c.1107-8C>T (NM_001173498.2).
Identifiers: ClinVar variation 457138 (VCV000457138.45), dbSNP rs201690866, ClinGen allele CA9226579.